The following is an entry in ClinVar:

NM_000971.4(RPL7):c.437A>C (p.Asn146Thr)

Gene: RPL7 (ribosomal protein L7; minus strand). Cytogenetic location: 8q21.11.
Variant type: single nucleotide variant.
Coding change: c.437A>C on transcript NM_000971.4 (MANE Select); coding-DNA position 437, A replaced by C.
Protein change: p.Asn146Thr; replaces asparagine 146 with threonine.
Molecular consequence: missense variant.
Genome position (GRCh38, 1-based): chr8:73,291,653, T>G on the plus strand (A>C on the coding strand, the complement: RPL7 is on the minus strand). VCF-style: chr8-73291653-T-G. GRCh37 (hg19) VCF-style: chr8-74203888-T-G.
Other names: c.317A>C, p.Asn106Thr (NM_001363737.2); short protein forms N106T, N146T.
Identifiers: ClinVar variation 4891084 (VCV004891084.1).
Genomic context (GRCh38, chr8:73,291,653, plus strand): 5'-CGCTTCTTATTGATTTTGCCATAACCACGCTTGTAGATTAGTTCATTTACTGACTTCAGA[T>G]TGGGGTACCTGAAGTGAAAAAGCAAACATAAATAAGGTGACCACTGTTAAAACATCTAAA-3'
Protein context (NP_000962.2, residues 136-156): VEPYIAWGYP[Asn146Thr]LKSVNELIYK

ClinVar aggregate classification (germline): Uncertain significance (1 of 4 stars; one submission).

Submission:

Greenwood Genetic Center Diagnostic Laboratories, Greenwood Genetic Center
Classification: Uncertain significance. Last evaluated: 2026-05-18. Review status: criteria provided, single submitter. Criteria: ACMG Guidelines, 2015. Collection method: clinical testing. Allele origin: germline.
Comment: Gene of Uncertain Significance